The following is an entry in ClinVar:

ClinVar aggregate classification (germline): Likely benign. Review status: criteria provided, multiple submitters, no conflicts (2 of 4 stars). 4 submissions from 4 submitters: Likely benign (4). Last evaluated 2025-08-20.

Conditions:
Myofibrillar myopathy 6. Identifiers: Orphanet 199340, MedGen C2751831, MONDO:0013061, OMIM 612954.
Dilated cardiomyopathy 1HH (CMD1HH). Identifiers: Orphanet 154, MedGen C3151293, MONDO:0013479, OMIM 613881.

Allele frequency attached by ClinVar (database versions not stated): gnomAD below 0.00001 and 0.00001; gnomAD exomes 0.00001 and 0.00004; TOPMed 0.00001; ExAC 0.00008.
gnomAD v4.1: 20 of 1,543,432 alleles (0.0013%); highest among the groups gnomAD compares: South Asian, 0.021%; no homozygotes.

Submissions (4):

Labcorp Genetics (formerly Invitae), Labcorp
Classification: Likely benign for Dilated cardiomyopathy 1HH; Myofibrillar myopathy 6. Last evaluated: 2025-08-20. Review status: criteria provided, single submitter. Criteria: Invitae Variant Classification Sherloc (09022015). Collection method: clinical testing. Allele origin: germline.

Blueprint Genetics
Classification: Likely benign. Last evaluated: 2024-02-27. Review status: criteria provided, single submitter. Criteria: ACMG Guidelines, 2015. Collection method: clinical testing. Allele origin: germline.

GeneDx
Classification: Likely benign. Last evaluated: 2017-11-17. Review status: criteria provided, single submitter. Criteria: GeneDx Variant Classification (06012015). Collection method: clinical testing. Allele origin: germline. Affected: yes.
Comment: This variant is considered likely benign or benign based on one or more of the following criteria: it is a conservative change, it occurs at a poorly conserved position in the protein, it is predicted to be benign by multiple in silico algorithms, and/or has population frequency not consistent with disease.

Laboratory for Molecular Medicine, Mass General Brigham Personalized Medicine
Classification: Likely benign. Last evaluated: 2014-02-06. Review status: criteria provided, single submitter. Criteria: LMM Criteria. Collection method: clinical testing. Allele origin: germline. Observed: 1 variant allele.
Comment: 180+13C>T in intron 1 of BAG3: This variant is not expected to have clinical sig nificance because it is not located within the splice consensus sequence. 180+1 3C>T in intron 1 of BAG3 (allele frequency = n/a)

NM_004281.4(BAG3):c.180+13C>T

Gene: BAG3 (BAG cochaperone 3; plus strand). Cytogenetic location: 10q26.11.
Variant type: single nucleotide variant.
Coding change: c.180+13C>T on transcript NM_004281.4 (MANE Select); 13 bases into the intron after coding-DNA position 180, C replaced by T.
Molecular consequence: intron variant.
Genome position (GRCh38, 1-based): chr10:119,651,868, C>T. VCF-style: chr10-119651868-C-T. GRCh37 (hg19) VCF-style: chr10-121411380-C-T.
Identifiers: ClinVar variation 179541 (VCV000179541.12), dbSNP rs727504938, ClinGen allele CA184630.